The following is an entry in ClinVar:

ClinVar aggregate classification (germline): Uncertain significance (1 of 4 stars; one submission).

Allele frequency attached by ClinVar (database versions not stated): gnomAD exomes below 0.00001; TOPMed 0.00001.
gnomAD v4.1: 1 of 1,211,536 alleles (0.000083%); highest among the groups gnomAD compares: Non-Finnish European, 0.00011%; no homozygotes.

Submission:

GeneDx
Classification: Uncertain significance. Last evaluated: 2022-04-28. Review status: criteria provided, single submitter. Criteria: GeneDx Variant Classification Process June 2021. Collection method: clinical testing. Allele origin: germline. Affected: yes.
Comment: Not observed at significant frequency in large population cohorts (gnomAD); In silico analysis supports that this missense variant does not alter protein structure/function; Has not been previously published as pathogenic or benign to our knowledge

NM_001123385.2(BCOR):c.4852G>T (p.Ala1618Ser)

Gene: BCOR (BCL6 corepressor; minus strand). Cytogenetic location: Xp11.4.
Variant type: single nucleotide variant.
Coding change: c.4852G>T on transcript NM_001123385.2 (MANE Select); coding-DNA position 4852, G replaced by T.
Protein change: p.Ala1618Ser; replaces alanine 1618 with serine.
Molecular consequence: missense variant.
Genome position (GRCh38, 1-based): chrX:40,054,010, C>A on the plus strand (G>T on the coding strand, the complement: BCOR is on the minus strand). VCF-style: chrX-40054010-C-A. GRCh37 (hg19) VCF-style: chrX-39913263-C-A.
Other names: c.4750G>T, p.Ala1584Ser (NM_001123383.2, NM_017745.6); c.4696G>T, p.Ala1566Ser (NM_001123384.2); short protein forms A1566S, A1584S, A1618S.
Identifiers: ClinVar variation 1712888 (VCV001712888.2), dbSNP rs1934461080, ClinGen allele CA412734109.